The following is an entry in ClinVar:

NM_001458.5(FLNC):c.2038A>G (p.Thr680Ala)

Gene: FLNC (filamin C; plus strand). Cytogenetic location: 7q32.1.
Variant type: single nucleotide variant.
Coding change: c.2038A>G on transcript NM_001458.5 (MANE Select); coding-DNA position 2038, A replaced by G.
Protein change: p.Thr680Ala; replaces threonine 680 with alanine.
Molecular consequence: missense variant.
Genome position (GRCh38, 1-based): chr7:128,841,484, A>G. VCF-style: chr7-128841484-A-G. GRCh37 (hg19) VCF-style: chr7-128481538-A-G.
Other names: c.2038A>G, p.Thr680Ala (NM_001127487.2); short protein forms T680A.
Identifiers: ClinVar variation 4812759 (VCV004812759.1).

ClinVar aggregate classification (germline): Uncertain significance (1 of 4 stars; one submission).

Conditions:
Hypertrophic cardiomyopathy 26. Also called: Cardiomyopathy, familial hypertrophic, 26. Identifiers: Orphanet 75249, MedGen C4310749, MONDO:0014883, OMIM 617047.
Myofibrillar myopathy 5. Also called: Filaminopathy (type); FILAMINOPATHY, AUTOSOMAL DOMINANT. Identifiers: Orphanet 171445, MedGen C1836050, MONDO:0012289, OMIM 609524.
Distal myopathy with posterior leg and anterior hand involvement. Also called: WILLIAMS DISTAL MYOPATHY. Identifiers: Orphanet 63273, MedGen C3279722, MONDO:0013550, OMIM 614065.

gnomAD v4.1: 1 of 1,614,126 alleles (0.000062%); highest among the groups gnomAD compares: South Asian, 0.0011%; no homozygotes.

Submission:

Labcorp Genetics (formerly Invitae), Labcorp
Classification: Uncertain significance for Distal myopathy with posterior leg and anterior hand involvement; Myofibrillar myopathy 5; Hypertrophic cardiomyopathy 26. Last evaluated: 2025-09-10. Review status: criteria provided, single submitter. Criteria: Invitae Variant Classification Sherloc (09022015). Collection method: clinical testing. Allele origin: germline.
Comment: This sequence change replaces threonine, which is neutral and polar, with alanine, which is neutral and non-polar, at codon 680 of the FLNC protein (p.Thr680Ala). This variant is not present in population databases (gnomAD no frequency). This variant has not been reported in the literature in individuals affected with FLNC-related conditions. Invitae Evidence Modeling of protein sequence and biophysical properties (such as structural, functional, and spatial information, amino acid conservation, physicochemical variation, residue mobility, and thermodynamic stability) has been performed for this missense variant. However, the output from this modeling did not meet the statistical confidence thresholds required to predict the impact of this variant on FLNC protein function. In summary, the available evidence is currently insufficient to determine the role of this variant in disease. Therefore, it has been classified as a Variant of Uncertain Significance.